The following is an entry in ClinVar:

NC_000005.9:g.(?_34929925)_(34939134_?)dup

Gene: DNAJC21 (DnaJ heat shock protein family (Hsp40) member C21; plus strand). Cytogenetic location: 5p13.2.
Variant type: Duplication.
Identifiers: ClinVar variation 1409995 (VCV001409995.4).

ClinVar aggregate classification (germline): Uncertain significance (1 of 4 stars; one submission).

Submission:

Labcorp Genetics (formerly Invitae), Labcorp
Classification: Uncertain significance. Last evaluated: 2021-03-25. Review status: criteria provided, single submitter. Criteria: Invitae Variant Classification Sherloc (09022015). Collection method: clinical testing. Allele origin: germline.
Comment: In summary, the available evidence is currently insufficient to determine the role of this variant in disease. Therefore, it has been classified as a Variant of Uncertain Significance. This variant has not been reported in the literature in individuals with DNAJC21-related conditions. This variant results in a copy number gain of the genomic region encompassing exon(s) 1-6 of the DNAJC21 gene. This region includes the initiator codon of the gene. The 5' end of this event is unknown as it extends beyond the assayed region for this gene and therefore may encompass additional genes. The 3' boundary is likely confined to intron 6 of the DNAJC21 gene. As the precise location of this event is unknown, it may be in tandem or it may be located elsewhere in the genome.